The following is an entry in ClinVar:

ClinVar aggregate classification (germline): Uncertain significance. Review status: criteria provided, multiple submitters, no conflicts (2 of 4 stars). 2 submissions from 2 submitters: Uncertain significance (2). Last evaluated 2023-11-01.

Conditions:
Primary ciliary dyskinesia. Also called: Ciliary dyskinesia. Identifiers: Orphanet 244, MedGen C0008780, MONDO:0016575, HP:0012265.

Allele frequency attached by ClinVar (database versions not stated): ExAC 0.00001; gnomAD 0.00001; TOPMed 0.00003.
gnomAD v4.1: 42 of 1,614,050 alleles (0.0026%); highest among the groups gnomAD compares: Non-Finnish European, 0.0036%; no homozygotes.

Submissions (2):

Ambry Genetics
Classification: Uncertain significance for Primary ciliary dyskinesia. Last evaluated: 2023-11-01. Review status: criteria provided, single submitter. Criteria: Ambry Variant Classification Scheme 2023. Collection method: clinical testing. Allele origin: germline.
Comment: The p.E1887G variant (also known as c.5660A>G), located in coding exon 34 of the DNAH5 gene, results from an A to G substitution at nucleotide position 5660. The glutamic acid at codon 1887 is replaced by glycine, an amino acid with similar properties. This variant was identified in a congenital heart defect cohort; additional cardiac-related alterations were also identified (Alankarage D et al. Genet Med, 2019 May;21:1111-1120). This amino acid position is highly conserved in available vertebrate species. In addition, the in silico prediction for this alteration is inconclusive. Since supporting evidence is limited at this time, the clinical significance of this alteration remains unclear.

Labcorp Genetics (formerly Invitae), Labcorp
Classification: Uncertain significance for Primary ciliary dyskinesia. Last evaluated: 2021-09-24. Review status: criteria provided, single submitter. Criteria: Invitae Variant Classification Sherloc (09022015). Collection method: clinical testing. Allele origin: germline.
Comment: This sequence change replaces glutamic acid with glycine at codon 1887 of the DNAH5 protein (p.Glu1887Gly). The glutamic acid residue is highly conserved and there is a moderate physicochemical difference between glutamic acid and glycine. The frequency data for this variant in the population databases is considered unreliable, as metrics indicate poor data quality at this position in the ExAC database. This variant has not been reported in the literature in individuals with DNAH5-related conditions. Algorithms developed to predict the effect of missense changes on protein structure and function are either unavailable or do not agree on the potential impact of this missense change (SIFT: "Deleterious"; PolyPhen-2: "Benign"; Align-GVGD: "Class C0"). In summary, the available evidence is currently insufficient to determine the role of this variant in disease. Therefore, it has been classified as a Variant of Uncertain Significance.

Literature cited by the submitters: PubMed 30293987 (cited by Ambry Genetics).

NM_001369.3(DNAH5):c.5660A>G (p.Glu1887Gly)

Gene: DNAH5 (dynein axonemal heavy chain 5; minus strand). Cytogenetic location: 5p15.2.
Variant type: single nucleotide variant.
Coding change: c.5660A>G on transcript NM_001369.3 (MANE Select); coding-DNA position 5660, A replaced by G.
Protein change: p.Glu1887Gly; replaces glutamic acid 1887 with glycine.
Molecular consequence: missense variant.
Genome position (GRCh38, 1-based): chr5:13,840,955, T>C on the plus strand (A>G on the coding strand, the complement: DNAH5 is on the minus strand). VCF-style: chr5-13840955-T-C. GRCh37 (hg19) VCF-style: chr5-13841064-T-C.
Other names: c.5660A>G (NM_001369.2); short protein forms E1887G.
Identifiers: ClinVar variation 2062101 (VCV002062101.2), dbSNP rs753473700, ClinGen allele CA3203615.